The following is an entry in ClinVar:

ClinVar aggregate classification (germline): Pathogenic (1 of 4 stars; one submission).

Conditions:
Supravalvar aortic stenosis (SVAS). Also called: Supravalvar aortic stenosis, Eisenberg type. Identifiers: Orphanet 3193, MedGen C0003499, MONDO:0008504, OMIM 185500, HP:0004381.

Submission:

Labcorp Genetics (formerly Invitae), Labcorp
Classification: Pathogenic for Supravalvar aortic stenosis. Last evaluated: 2024-08-27. Review status: criteria provided, single submitter. Criteria: Invitae Variant Classification Sherloc (09022015). Collection method: clinical testing. Allele origin: germline.
Comment: This sequence change affects a donor splice site in intron 3 of the ELN gene. It is expected to disrupt RNA splicing. Variants that disrupt the donor or acceptor splice site typically lead to a loss of protein function (PMID: 16199547), and loss-of-function variants in ELN are known to be pathogenic (PMID: 11175284). This variant is not present in population databases (gnomAD no frequency). Disruption of this splice site has been observed in individuals with supravalvular aortic stenosis (PMID: 9215670, 11175284, 19844261). Algorithms developed to predict the effect of sequence changes on RNA splicing suggest that this variant may disrupt the consensus splice site. For these reasons, this variant has been classified as Pathogenic.

Literature cited by the submitters: PubMed 16199547; PubMed 11175284; PubMed 9215670; PubMed 19844261.

NM_000501.4(ELN):c.163+2T>A

Gene: ELN (elastin; plus strand). Cytogenetic location: 7q11.23.
Variant type: single nucleotide variant.
Coding change: c.163+2T>A on transcript NM_000501.4 (MANE Select); the canonical splice donor site of the intron after coding-DNA position 163, T replaced by A.
Molecular consequence: splice donor variant. On other transcripts: intron variant (4).
Genome position (GRCh38, 1-based): chr7:74,036,586, T>A. VCF-style: chr7-74036586-T-A. GRCh37 (hg19) VCF-style: chr7-73450916-T-A.
Other names: c.163+2T>A (NM_001081754.3, NM_001081753.3, NM_001278939.2 and 5 more transcripts); c.134-1121T>A (NM_001278914.2, NM_001278917.2, NM_001081752.3 and 1 more transcripts).
Identifiers: ClinVar variation 2763339 (VCV002763339.3), dbSNP rs1584494326, ClinGen allele CA367868972.
Genomic context (GRCh38, chr7:74,036,586, plus strand): 5'-TCTCTCTTTCTCTTTCTCTCCCCCCACAGGGGCTGGTCTCGGAGCCCTTGGAGGAGGAGG[T>A]GAGCTCAGAAACCACACTTGTTCATCACTGAAAGGGCCTGGGTTTCACCCGAGCCACATG-3'